The following is an entry in ClinVar:

ClinVar aggregate classification (germline): Uncertain significance (1 of 4 stars; one submission).

Allele frequency attached by ClinVar (database versions not stated): TOPMed 0.00002.
gnomAD v4.1: 23 of 1,614,068 alleles (0.0014%); highest among the groups gnomAD compares: Admixed American, 0.0033%; no homozygotes.

Submission:

Labcorp Genetics (formerly Invitae), Labcorp
Classification: Uncertain significance. Last evaluated: 2025-11-10. Review status: criteria provided, single submitter. Criteria: Invitae Variant Classification Sherloc (09022015). Collection method: clinical testing. Allele origin: germline.
Comment: This sequence change replaces valine, which is neutral and non-polar, with isoleucine, which is neutral and non-polar, at codon 760 of the CEP89 protein (p.Val760Ile). This variant is present in population databases (rs537113854, gnomAD 0.002%). This variant has not been reported in the literature in individuals affected with CEP89-related conditions. ClinVar contains an entry for this variant (Variation ID: 3016169). An algorithm developed to predict the effect of missense changes on protein structure and function outputs the following: PolyPhen-2: "Benign". The isoleucine amino acid residue is found in multiple mammalian species, which suggests that this missense change does not adversely affect protein function. In summary, the available evidence is currently insufficient to determine the role of this variant in disease. Therefore, it has been classified as a Variant of Uncertain Significance.

NM_032816.5(CEP89):c.2278G>A (p.Val760Ile)

Gene: CEP89 (centrosomal protein 89; minus strand). Cytogenetic location: 19q13.11.
Variant type: single nucleotide variant.
Coding change: c.2278G>A on transcript NM_032816.5 (MANE Select); coding-DNA position 2278, G replaced by A.
Protein change: p.Val760Ile; replaces valine 760 with isoleucine.
Molecular consequence: missense variant.
Genome position (GRCh38, 1-based): chr19:32,879,236, C>T on the plus strand (G>A on the coding strand, the complement: CEP89 is on the minus strand). VCF-style: chr19-32879236-C-T. GRCh37 (hg19) VCF-style: chr19-33370142-C-T.
Other names: short protein forms V760I.
Identifiers: ClinVar variation 3016169 (VCV003016169.3), dbSNP rs537113854, ClinGen allele CA307526300.
Genomic context (GRCh38, chr19:32,879,236, plus strand): 5'-CATGAGACTTCAGGTCATAGGAGCAGACATCGCAGCCGTCCAGCAGGTCTGCCTGAGAGA[C>T]GCCATTGAGGCTGGGGGCAACCAGAGCTCTGGGGTTGTCCTGCACGCCTGTCCTCGTGAG-3'
Protein context (NP_116205.3, residues 750-770): RALVAPSLNG[Val760Ile]SQADLLDGCD